The following is an entry in ClinVar:

NM_001377229.1(DISP1):c.995C>T (p.Ser332Phe)

Gene: DISP1 (dispatched RND transporter family member 1; plus strand). Cytogenetic location: 1q41.
Variant type: single nucleotide variant.
Coding change: c.995C>T on transcript NM_001377229.1 (MANE Select); coding-DNA position 995, C replaced by T.
Protein change: p.Ser332Phe; replaces serine 332 with phenylalanine.
Molecular consequence: missense variant.
Genome position (GRCh38, 1-based): chr1:223,002,392, C>T. VCF-style: chr1-223002392-C-T. GRCh37 (hg19) VCF-style: chr1-223175734-C-T.
Other names: c.266C>T, p.Ser89Phe (NM_001350630.2); c.995C>T, p.Ser332Phe (NM_001369594.1, NM_001377228.1, NM_032890.5); short protein forms S332F, S89F.
Identifiers: ClinVar variation 1308567 (VCV001308567.2), dbSNP rs2102794712, ClinGen allele CA344678238.

ClinVar aggregate classification (germline): Uncertain significance (1 of 4 stars; one submission).

Submission:

GeneDx
Classification: Uncertain significance. Last evaluated: 2019-04-08. Review status: criteria provided, single submitter. Criteria: GeneDx Variant Classification Process June 2021. Collection method: clinical testing. Allele origin: germline. Affected: yes.
Comment: Not observed in large population cohorts (Lek et al., 2016); In silico analysis, which includes protein predictors and evolutionary conservation, supports a deleterious effect; Has not been previously published as pathogenic or benign to our knowledge